The following is an entry in ClinVar:

ClinVar aggregate classification (germline): Uncertain significance (1 of 4 stars; one submission).

Conditions:
Leigh syndrome (NULS). Also called: Leigh's necrotizing encephalopathy; Leigh's disease; Leigh Syndrome (mtDNA deletion); Leigh Disease; Subacute necrotizing encephalopathy; Necrotizing encephalopathy infantile subacute of Leigh. Identifiers: Orphanet 506, MedGen C2931891, MONDO:0009723, OMIM 256000.

Submission:

Wong Mito Lab, Molecular and Human Genetics, Baylor College of Medicine
Classification: Uncertain significance for Leigh syndrome. Last evaluated: 2019-10-17. Review status: criteria provided, single submitter. Criteria: Modified ACMG Guidelines (Unpublished). Collection method: clinical testing. Allele origin: germline.
Comment: The NC_012920.1:m.8033A>G (YP_003024029.1:p.Ile150Val) variant in MTCO2 gene is interpretated to be a Uncertain Significance variant based on the modified ACMG guidelines (unpublished). This variant meets the following evidence codes: BP4

NC_012920.1(MT-CO2):m.8033A>G

Gene: MT-CO2 (mitochondrially encoded cytochrome c oxidase II; plus strand).
Variant type: single nucleotide variant.
Genome position: chrM-8033-A-G.
Identifiers: ClinVar variation 692814 (VCV000692814.1), dbSNP rs1603221267, ClinGen allele CA414794725.